The following is an entry in ClinVar:

NM_001387430.1(SH2B1):c.1600C>A (p.Arg534=)

Gene: SH2B1 (SH2B adaptor protein 1; plus strand). Cytogenetic location: 16p11.2.
Variant type: single nucleotide variant.
Coding change: c.1600C>A on transcript NM_001387430.1 (MANE Select); coding-DNA position 1600, C replaced by A.
Protein change: p.Arg534=; no amino-acid change (arginine 534 retained).
Molecular consequence: synonymous variant.
Genome position (GRCh38, 1-based): chr16:28,872,276, C>A. VCF-style: chr16-28872276-C-A. GRCh37 (hg19) VCF-style: chr16-28883597-C-A.
Other names: c.1600C>A, p.Arg534= (NM_001145795.2, NM_001145796.2, NM_001145797.2 and 4 more transcripts); c.592C>A, p.Arg198= (NM_001308294.2).
Identifiers: ClinVar variation 3348507 (VCV003348507.2).

ClinVar aggregate classification (germline): Uncertain significance (1 of 4 stars; one submission).

Conditions:
SH2B1-related disorder. Also called: SH2B1-related condition.

Submission:

PreventionGenetics, part of Exact Sciences
Classification: Uncertain significance for SH2B1-related condition. Last evaluated: 2026-03-05. Review status: criteria provided, single submitter. Criteria: ACMG Guidelines, 2015. Collection method: clinical testing. Allele origin: germline.
Comment: The SH2B1 c.1600C>A variant is not predicted to result in an amino acid change (p.=). This variant is predicted to alter splicing based on available splicing prediction programs (SpliceAI, Jaganathan et al. 2019. PubMed ID: 30661751). However, the use of computer prediction programs is not equivalent to functional evidence. To our knowledge, this variant has not been reported in the literature. This variant is reported in 0.018% of alleles in individuals of African descent in gnomAD. At this time, the clinical significance of this variant is uncertain due to the absence of conclusive functional and genetic evidence.